The following is an entry in ClinVar:

ClinVar aggregate classification (germline): Uncertain significance. Review status: criteria provided, multiple submitters, no conflicts (2 of 4 stars). 2 submissions from 2 submitters: Uncertain significance (2). Last evaluated 2026-09-01.

gnomAD v4.1: 55 of 1,546,480 alleles (0.0036%); highest among the groups gnomAD compares: Non-Finnish European, 0.0046%; no homozygotes.

Submissions (2):

CeGaT Center for Human Genetics Tuebingen
Classification: Uncertain significance. Last evaluated: 2026-09-01. Review status: criteria provided, single submitter. Criteria: CeGaT Center For Human Genetics Tuebingen Variant Classification Criteria Version 2. Collection method: clinical testing. Allele origin: germline. Affected: yes. Observed: 1 variant allele.
Comment: PTPRQ: PM2, PP3

Blueprint Genetics
Classification: Uncertain significance. Last evaluated: 2023-04-18. Review status: criteria provided, single submitter. Criteria: ACMG Guidelines, 2015. Collection method: clinical testing. Allele origin: germline.

NM_001145026.2(PTPRQ):c.1039G>C (p.Gly347Arg)

Gene: PTPRQ (protein tyrosine phosphatase receptor type Q; plus strand). Cytogenetic location: 12q21.31.
Variant type: single nucleotide variant.
Coding change: c.1039G>C on transcript NM_001145026.2 (MANE Select); coding-DNA position 1039, G replaced by C.
Protein change: p.Gly347Arg; replaces glycine 347 with arginine.
Molecular consequence: missense variant.
Genome position (GRCh38, 1-based): chr12:80,468,838, G>C. VCF-style: chr12-80468838-G-C. GRCh37 (hg19) VCF-style: chr12-80862617-G-C.
Other names: short protein forms G347R.
Identifiers: ClinVar variation 4917749 (VCV004917749.2).